The following is an entry in ClinVar:

ClinVar aggregate classification (germline): Uncertain significance (1 of 4 stars; one submission).

Allele frequency attached by ClinVar (database versions not stated): gnomAD exomes 0.00001.

Submission:

Labcorp Genetics (formerly Invitae), Labcorp
Classification: Uncertain significance. Last evaluated: 2025-11-03. Review status: criteria provided, single submitter. Criteria: Invitae Variant Classification Sherloc (09022015). Collection method: clinical testing. Allele origin: germline.
Comment: This sequence change replaces asparagine, which is neutral and polar, with serine, which is neutral and polar, at codon 2017 of the ITPR1 protein (p.Asn2017Ser). This variant is not present in population databases (gnomAD no frequency). This variant has not been reported in the literature in individuals affected with ITPR1-related conditions. ClinVar contains an entry for this variant (Variation ID: 2786673). Invitae Evidence Modeling of protein sequence and biophysical properties (such as structural, functional, and spatial information, amino acid conservation, physicochemical variation, residue mobility, and thermodynamic stability) has been performed for this missense variant. However, the output from this modeling did not meet the statistical confidence thresholds required to predict the impact of this variant on ITPR1 protein function. In summary, the available evidence is currently insufficient to determine the role of this variant in disease. Therefore, it has been classified as a Variant of Uncertain Significance.

NM_001378452.1(ITPR1):c.6239A>G (p.Asn2080Ser)

Gene: ITPR1 (inositol 1,4,5-trisphosphate receptor type 1; plus strand). Cytogenetic location: 3p26.1.
Variant type: single nucleotide variant.
Coding change: c.6239A>G on transcript NM_001378452.1 (MANE Select); coding-DNA position 6239, A replaced by G.
Protein change: p.Asn2080Ser; replaces asparagine 2080 with serine.
Molecular consequence: missense variant.
Genome position (GRCh38, 1-based): chr3:4,777,322, A>G. VCF-style: chr3-4777322-A-G. GRCh37 (hg19) VCF-style: chr3-4819006-A-G.
Other names: c.6095A>G, p.Asn2032Ser (NM_001099952.4); c.6194A>G, p.Asn2065Ser (NM_001168272.2); c.6050A>G, p.Asn2017Ser (NM_002222.7); short protein forms N2080S, N2032S, N2017S, N2065S.
Identifiers: ClinVar variation 2786673 (VCV002786673.3), dbSNP rs2046544011, ClinGen allele CA351637684.